The following is an entry in ClinVar:

NM_001374828.1(ARID1B):c.3514T>C (p.Ser1172Pro)

Gene: ARID1B (AT-rich interaction domain 1B; plus strand). Cytogenetic location: 6q25.3.
Variant type: single nucleotide variant.
Coding change: c.3514T>C on transcript NM_001374828.1 (MANE Select); coding-DNA position 3514, T replaced by C.
Protein change: p.Ser1172Pro; replaces serine 1172 with proline.
Molecular consequence: missense variant.
Genome position (GRCh38, 1-based): chr6:157,180,978, T>C. VCF-style: chr6-157180978-T-C. GRCh37 (hg19) VCF-style: chr6-157502112-T-C.
Other names: c.1015T>C, p.Ser339Pro (NM_001363725.2); c.3394T>C, p.Ser1132Pro (NM_001371656.1, NM_001374820.1); c.3643T>C, p.Ser1215Pro (NM_001438482.1); c.3556T>C, p.Ser1186Pro (NM_001438483.1); c.3424T>C, p.Ser1142Pro (NM_001438485.1); c.3397T>C, p.Ser1133Pro (NM_001438486.1); c.3334T>C, p.Ser1112Pro (NM_001438487.1); c.856T>C, p.Ser286Pro (NM_001438488.1); and 1 more; short protein forms S1119P, S1186P, S1215P, S286P, S339P, S1172P, S1132P, S1112P.
Identifiers: ClinVar variation 4739293 (VCV004739293.1).

ClinVar aggregate classification (germline): Uncertain significance (1 of 4 stars; one submission).

Submission:

Labcorp Genetics (formerly Invitae), Labcorp
Classification: Uncertain significance. Last evaluated: 2025-03-09. Review status: criteria provided, single submitter. Criteria: Invitae Variant Classification Sherloc (09022015). Collection method: clinical testing. Allele origin: germline.
Comment: This sequence change replaces serine, which is neutral and polar, with proline, which is neutral and non-polar, at codon 1049 of the ARID1B protein (p.Ser1049Pro). This variant is not present in population databases (gnomAD no frequency). This variant has not been reported in the literature in individuals affected with ARID1B-related conditions. Invitae Evidence Modeling of protein sequence and biophysical properties (such as structural, functional, and spatial information, amino acid conservation, physicochemical variation, residue mobility, and thermodynamic stability) indicates that this missense variant is not expected to disrupt ARID1B protein function with a negative predictive value of 95%. In summary, the available evidence is currently insufficient to determine the role of this variant in disease. Therefore, it has been classified as a Variant of Uncertain Significance.